The following is an entry in ClinVar:

ClinVar aggregate classification (germline): Uncertain significance (1 of 4 stars; one submission).

Submission:

Labcorp Genetics (formerly Invitae), Labcorp
Classification: Uncertain significance. Last evaluated: 2022-05-27. Review status: criteria provided, single submitter. Criteria: Invitae Variant Classification Sherloc (09022015). Collection method: clinical testing. Allele origin: germline.
Comment: This sequence change replaces glutamic acid, which is acidic and polar, with alanine, which is neutral and non-polar, at codon 101 of the CD59 protein (p.Glu101Ala). This variant is not present in population databases (gnomAD no frequency). In summary, the available evidence is currently insufficient to determine the role of this variant in disease. Therefore, it has been classified as a Variant of Uncertain Significance. Algorithms developed to predict the effect of missense changes on protein structure and function (SIFT, PolyPhen-2, Align-GVGD) all suggest that this variant is likely to be tolerated. This variant has not been reported in the literature in individuals affected with CD59-related conditions.

NM_000611.6(CD59):c.302A>C (p.Glu101Ala)

Gene: CD59 (CD59 molecule (CD59 blood group); minus strand). Cytogenetic location: 11p13.
Variant type: single nucleotide variant.
Coding change: c.302A>C on transcript NM_000611.6 (MANE Select); coding-DNA position 302, A replaced by C.
Protein change: p.Glu101Ala; replaces glutamic acid 101 with alanine.
Molecular consequence: missense variant.
Genome position (GRCh38, 1-based): chr11:33,710,211, T>G on the plus strand (A>C on the coding strand, the complement: CD59 is on the minus strand). VCF-style: chr11-33710211-T-G. GRCh37 (hg19) VCF-style: chr11-33731757-T-G.
Other names: c.302A>C, p.Glu101Ala (NM_001127223.1, NM_001127225.2, NM_001127226.2 and 4 more transcripts); short protein forms E101A.
Identifiers: ClinVar variation 1999350 (VCV001999350.4), dbSNP rs2495426559, ClinGen allele CA380020028.